The following is an entry in ClinVar:

NM_001134407.3(GRIN2A):c.1061G>A (p.Gly354Asp)

Gene: GRIN2A (glutamate ionotropic receptor NMDA type subunit 2A; minus strand). Cytogenetic location: 16p13.2.
Variant type: single nucleotide variant.
Coding change: c.1061G>A on transcript NM_001134407.3 (MANE Select); coding-DNA position 1061, G replaced by A.
Protein change: p.Gly354Asp; replaces glycine 354 with aspartic acid.
Molecular consequence: missense variant.
Genome position (GRCh38, 1-based): chr16:9,891,047, C>T on the plus strand (G>A on the coding strand, the complement: GRIN2A is on the minus strand). VCF-style: chr16-9891047-C-T. GRCh37 (hg19) VCF-style: chr16-9984904-C-T.
Other names: c.1061G>A, p.Gly354Asp (NM_000833.5, NM_001134408.2); short protein forms G354D.
Identifiers: ClinVar variation 2744714 (VCV002744714.3), dbSNP rs1458361061, ClinGen allele CA394797499.
Genomic context (GRCh38, chr16:9,891,047, plus strand): 5'-TTTTCCCATTCCCGGTCTTTGTTCAGCACAATCACCACCAGCCTGGGGTGCACCTGGTAG[C>T]CTTCCTCAGTGAAGGATAAGTCTTTGCCATCCCATGTAACATTGACCATAAATCTAGAAA-3'
Protein context (NP_001127879.1, residues 344-364): DGKDLSFTEE[Gly354Asp]YQVHPRLVVI

ClinVar aggregate classification (germline): Uncertain significance (1 of 4 stars; one submission).

Conditions:
Landau-Kleffner syndrome (FESD). Also called: APHASIA, ACQUIRED, WITH EPILEPSY; EPILEPSY, FOCAL, WITH SPEECH DISORDER AND WITH OR WITHOUT MENTAL RETARDATION. Identifiers: Orphanet 1945, Orphanet 725, Orphanet 98818, MedGen C0282512, MONDO:0009509, OMIM 245570.

gnomAD v4.1: 1 of 1,613,622 alleles (0.000062%); no homozygotes.

Submission:

Labcorp Genetics (formerly Invitae), Labcorp
Classification: Uncertain significance for Landau-Kleffner syndrome. Last evaluated: 2023-12-28. Review status: criteria provided, single submitter. Criteria: Invitae Variant Classification Sherloc (09022015). Collection method: clinical testing. Allele origin: germline.
Comment: This sequence change replaces glycine, which is neutral and non-polar, with aspartic acid, which is acidic and polar, at codon 354 of the GRIN2A protein (p.Gly354Asp). This variant is not present in population databases (gnomAD no frequency). This missense change has been observed in individual(s) with clinical features of GRIN2A-related conditions (Invitae). This missense change has been observed in at least one individual who was not affected with GRIN2A-related conditions (Invitae). Advanced modeling of protein sequence and biophysical properties (such as structural, functional, and spatial information, amino acid conservation, physicochemical variation, residue mobility, and thermodynamic stability) performed at Invitae indicates that this missense variant is expected to disrupt GRIN2A protein function with a positive predictive value of 95%. In summary, the available evidence is currently insufficient to determine the role of this variant in disease. Therefore, it has been classified as a Variant of Uncertain Significance.